The following is an entry in ClinVar:

ClinVar aggregate classification (germline): Uncertain significance (1 of 4 stars; one submission).

Conditions:
Cardiovascular phenotype. Identifiers: MedGen CN230736.

gnomAD v4.1: 1 of 1,614,234 alleles (0.000062%); highest among the groups gnomAD compares: African/African-American, 0.0013%; no homozygotes.

Submission:

Molecular Diagnostic Laboratory for Inherited Cardiovascular Disease, Montreal Heart Institute
Classification: Uncertain significance for Cardiovascular phenotype. Last evaluated: 2025-04-09. Review status: criteria provided, single submitter. Criteria: ACMG Guidelines, 2015. Collection method: clinical testing. Allele origin: germline. Affected: yes.
Comment: PM2, PP2, PP3

NM_001018005.2(TPM1):c.506T>A (p.Leu169Gln)

Gene: TPM1 (tropomyosin 1; plus strand). Cytogenetic location: 15q22.2.
Variant type: single nucleotide variant.
Coding change: c.506T>A on transcript NM_001018005.2 (MANE Select); coding-DNA position 506, T replaced by A.
Protein change: p.Leu169Gln; replaces leucine 169 with glutamine.
Molecular consequence: missense variant. On other transcripts: non-coding transcript variant (17).
Genome position (GRCh38, 1-based): chr15:63,060,882, T>A. VCF-style: chr15-63060882-T-A. GRCh37 (hg19) VCF-style: chr15-63353081-T-A.
Other names: c.506T>A, p.Leu169Gln (NM_000366.6, NM_001018004.2, NM_001018006.2 and 20 more transcripts); c.398T>A, p.Leu133Gln (NM_001018008.2, NM_001301289.2, NM_001330344.2 and 9 more transcripts); c.632T>A, p.Leu211Gln (NM_001365778.1, NM_001407322.1, NM_001407323.1 and 1 more transcripts); short protein forms L133Q, L169Q, L211Q.
Identifiers: ClinVar variation 3895164 (VCV003895164.1).